The following is an entry in ClinVar:

ClinVar aggregate classification (germline): Uncertain significance (1 of 4 stars; one submission).

Conditions:
Long QT syndrome (LQTS). Identifiers: MedGen C0023976, MeSH D008133, MONDO:0002442. Disease mechanism: loss of function. Inheritance: Various modes of inheritance.

Submission:

Labcorp Genetics (formerly Invitae), Labcorp
Classification: Uncertain significance for Long QT syndrome. Last evaluated: 2021-05-17. Review status: criteria provided, single submitter. Criteria: Invitae Variant Classification Sherloc (09022015). Collection method: clinical testing. Allele origin: germline.
Comment: In summary, the available evidence is currently insufficient to determine the role of this variant in disease. Therefore, it has been classified as a Variant of Uncertain Significance. This sequence change replaces leucine with proline at codon 3715 of the AKAP9 protein (p.Leu3715Pro). The leucine residue is highly conserved and there is a moderate physicochemical difference between leucine and proline. This variant is not present in population databases (ExAC no frequency). This variant has not been reported in the literature in individuals with AKAP9-related conditions. Algorithms developed to predict the effect of missense changes on protein structure and function are either unavailable or do not agree on the potential impact of this missense change (SIFT: "Deleterious"; PolyPhen-2: "Probably Damaging"; Align-GVGD: "Class C0").

NM_005751.5(AKAP9):c.11144T>C (p.Leu3715Pro)

Gene: AKAP9 (A-kinase anchoring protein 9; plus strand). Cytogenetic location: 7q21.2.
Variant type: single nucleotide variant.
Coding change: c.11144T>C on transcript NM_005751.5 (MANE Select); coding-DNA position 11144, T replaced by C.
Protein change: p.Leu3715Pro; replaces leucine 3715 with proline.
Molecular consequence: missense variant.
Genome position (GRCh38, 1-based): chr7:92,102,640, T>C. VCF-style: chr7-92102640-T-C. GRCh37 (hg19) VCF-style: chr7-91731954-T-C.
Other names: c.5789T>C, p.Leu1930Pro (NM_001379277.1); c.11120T>C, p.Leu3707Pro (NM_147185.3); short protein forms L3707P, L3715P, L1930P.
Identifiers: ClinVar variation 1387250 (VCV001387250.8), dbSNP rs2130913999, ClinGen allele CA368162121.